The following is an entry in ClinVar:

NM_001379029.1(CERT1):c.600AGA[1] (p.Glu201del)

Gene: CERT1 (ceramide transporter 1; minus strand). Cytogenetic location: 5q13.3.
Variant type: Microsatellite.
Coding change: c.600AGA[1] on transcript NM_001379029.1 (MANE Select); one copy of the 3-base unit AGA starting at c.600; the reference has two copies in a row; one copy, 3 bases deleted.
Protein change: p.Glu201del; deletes glutamic acid 201.
Genome position (GRCh38, 1-based): chr5:75,419,415-75,419,417, TCT deleted on the plus strand (AGA on the coding strand, the reverse complement: CERT1 is on the minus strand); deleting any 3 consecutive bases within chr5:75,419,415-75,419,420 gives the same sequence; the position shown is the placement nearest the transcript's 3' end. VCF-style (leftmost placement, unchanged base first): chr5-75419414-ATCT-A. GRCh37 (hg19) VCF-style: chr5-74715239-ATCT-A.
Other names: c.987_989del (NM_001130105.1); c.984AGA[1], p.Glu329del (NM_001130105.1); c.600AGA[1], p.Glu201del (NM_001379002.1, NM_001379003.1, NM_001379004.1 and 2 more transcripts); short protein forms E201del, E329del.
Identifiers: ClinVar variation 3360427 (VCV003360427.1).

ClinVar aggregate classification (germline): Uncertain significance (1 of 4 stars; one submission).

Submission:

GeneDx
Classification: Uncertain significance. Last evaluated: 2023-06-30. Review status: criteria provided, single submitter. Criteria: GeneDx Variant Classification Process June 2021. Collection method: clinical testing. Allele origin: germline. Affected: yes.
Comment: Not observed at significant frequency in large population cohorts (gnomAD); In-frame deletion of one amino acid in a non-repeat region; In silico analysis supports a deleterious effect on protein structure/function; Has not been previously published as pathogenic or benign to our knowledge; In silico analysis is inconclusive as to whether the variant alters gene splicing. In the absence of RNA/functional studies, the actual effect of this sequence change is unknown.